The following is an entry in ClinVar:

NM_000537.4(REN):c.649G>A (p.Gly217Arg)

Gene: REN (renin; minus strand). Cytogenetic location: 1q32.1.
Variant type: single nucleotide variant.
Coding change: c.649G>A on transcript NM_000537.4 (MANE Select); coding-DNA position 649, G replaced by A.
Protein change: p.Gly217Arg; replaces glycine 217 with arginine.
Molecular consequence: missense variant.
Genome position (GRCh38, 1-based): chr1:204,159,439, C>T on the plus strand (G>A on the coding strand, the complement: REN is on the minus strand). VCF-style: chr1-204159439-C-T. GRCh37 (hg19) VCF-style: chr1-204128567-C-T.
Other names: short protein forms G217R.
Identifiers: ClinVar variation 294956 (VCV000294956.19), dbSNP rs11571117, ClinGen allele CA1344872.

ClinVar aggregate classification (germline): Benign/Likely benign. Review status: criteria provided, multiple submitters, no conflicts (2 of 4 stars). 6 submissions from 5 submitters: Benign (5); Likely benign (1). Last evaluated 2026-02-03.

Conditions:
Kidney disorder. Also called: renal disorder; Nephropathy; Kidney disease; Kidney Diseases; renal disease. Identifiers: MedGen C0022658, MONDO:0005240, HP:0000112.
Renal tubular dysgenesis. Also called: Renotubular dysgenesis. Identifiers: Orphanet 3033, MedGen C0266313, MONDO:0017609, HP:0008660.
Familial juvenile hyperuricemic nephropathy type 2 (ADTKD4). Also called: EARLY-ONSET HYPERURICEMIA, ANEMIA, AND PROGRESSIVE KIDNEY FAILURE; Autosomal Dominant Tubulointerstitial Kidney Disease – REN. Identifiers: Orphanet 217330, MedGen C2751310, MONDO:0013128, OMIM 613092.

Allele frequency attached by ClinVar (database versions not stated): gnomAD exomes 0.00165 and 0.00445; ExAC 0.00546; gnomAD 0.01699 and 0.01814; 1000 Genomes Project 0.01837; TOPMed 0.01888; 1000 Genomes Project 30x 0.01905; ESP Exome Variant Server 0.02014.

Submissions (6):

Labcorp Genetics (formerly Invitae), Labcorp
Classification: Benign. Last evaluated: 2026-02-03. Review status: criteria provided, single submitter. Criteria: Invitae Variant Classification Sherloc (09022015). Collection method: clinical testing. Allele origin: germline.

Mayo Clinic Laboratories, Mayo Clinic
Classification: Benign. Last evaluated: 2024-12-05. Review status: criteria provided, single submitter. Criteria: ACMG Guidelines, 2015. Collection method: clinical testing. Allele origin: germline. Observed: 1 variant allele.

Illumina Laboratory Services, Illumina
Classification: Benign for Familial juvenile hyperuricemic nephropathy type 2. Last evaluated: 2018-01-13. Review status: criteria provided, single submitter. Criteria: ICSL Variant Classification Criteria 13 December 2019. Collection method: clinical testing. Allele origin: germline.
Comment: This variant was observed in the ICSL laboratory as part of a predisposition screen in an ostensibly healthy population. It had not been previously curated by ICSL or reported in the Human Gene Mutation Database (HGMD: prior to June 1st, 2018), and was therefore a candidate for classification through an automated scoring system. Utilizing variant allele frequency, disease prevalence and penetrance estimates, and inheritance mode, an automated score was calculated to assess if this variant is too frequent to cause the disease. Based on the score and internal cut-off values, a variant classified as benign is not then subjected to further curation. The score for this variant resulted in a classification of benign for this disease.

Illumina Laboratory Services, Illumina
Classification: Benign for Renal tubular dysgenesis of genetic origin. Last evaluated: 2018-01-13. Review status: criteria provided, single submitter. Criteria: ICSL Variant Classification Criteria 13 December 2019. Collection method: clinical testing. Allele origin: germline.
Comment: the same text as in the submission from Illumina Laboratory Services, Illumina above.

Genome Diagnostics Laboratory, The Hospital for Sick Children
Classification: Likely benign for Kidney disorder. Last evaluated: 2016-12-12. Review status: criteria provided, single submitter. Criteria: ACMG Guidelines, 2015. Collection method: clinical testing. Allele origin: germline.

Breakthrough Genomics
Classification: Benign. Review status: criteria provided, single submitter. Criteria: ACMG Guidelines, 2015. Collection method: not provided. Allele origin: germline. Inheritance: Autosomal recessive inheritance. Affected: yes.